The following is an entry in ClinVar:

NM_000340.2(SLC2A2):c.496+8A>T

Gene: SLC2A2 (solute carrier family 2 member 2; minus strand). Cytogenetic location: 3q26.2.
Variant type: single nucleotide variant.
Coding change: c.496+8A>T on transcript NM_000340.2 (MANE Select); 8 bases into the intron after coding-DNA position 496, A replaced by T.
Molecular consequence: intron variant.
Genome position (GRCh38, 1-based): chr3:171,009,950, T>A on the plus strand (A>T on the coding strand, the complement: SLC2A2 is on the minus strand). VCF-style: chr3-171009950-T-A. GRCh37 (hg19) VCF-style: chr3-170727739-T-A.
Other names: c.139+8A>T (NM_001278658.2); c.-23-2687A>T (NM_001278659.2).
Identifiers: ClinVar variation 130350 (VCV000130350.25), dbSNP rs5402, ClinGen allele CA020015.

ClinVar aggregate classification (germline): Benign. Review status: criteria provided, multiple submitters, no conflicts (2 of 4 stars). 8 submissions from 8 submitters: Benign (7). 1 of the submissions does not count toward it. Last evaluated 2026-02-04.

Conditions:
Fanconi-Bickel syndrome (FBS). Also called: Glycogen storage disease due to GLUT2 deficiency; FANCONI SYNDROME WITH INTESTINAL MALABSORPTION AND GALACTOSE INTOLERANCE; HEPATIC GLYCOGENOSIS WITH AMINO ACIDURIA AND GLUCOSURIA; HEPATIC GLYCOGENOSIS WITH FANCONI NEPHROPATHY; HEPATORENAL GLYCOGENOSIS WITH RENAL FANCONI SYNDROME; PSEUDO-PHLORIZIN DIABETES. Identifiers: Orphanet 2088, MedGen C3495427, MONDO:0009216, OMIM 227810.

Allele frequency attached by ClinVar (database versions not stated): ExAC 0.05369; gnomAD exomes 0.08921 and 0.12400; ESP Exome Variant Server 0.20715; 1000 Genomes Project 0.21785; gnomAD 0.22206 and 0.22868; TOPMed 0.23824.

Submissions (8):

Labcorp Genetics (formerly Invitae), Labcorp
Classification: Benign for Fanconi-Bickel syndrome. Last evaluated: 2026-02-04. Review status: criteria provided, single submitter. Criteria: Invitae Variant Classification Sherloc (09022015). Collection method: clinical testing. Allele origin: germline.

Blueprint Genetics
Classification: Benign. Last evaluated: 2024-11-26. Review status: criteria provided, single submitter. Criteria: ACMG Guidelines, 2015. Collection method: clinical testing. Allele origin: germline.

Illumina Laboratory Services, Illumina
Classification: Benign for Fanconi-Bickel syndrome. Last evaluated: 2018-01-13. Review status: criteria provided, single submitter. Criteria: ICSL Variant Classification Criteria 13 December 2019. Collection method: clinical testing. Allele origin: germline.
Comment: This variant was observed in the ICSL laboratory as part of a predisposition screen in an ostensibly healthy population. It had not been previously curated by ICSL or reported in the Human Gene Mutation Database (HGMD: prior to June 1st, 2018), and was therefore a candidate for classification through an automated scoring system. Utilizing variant allele frequency, disease prevalence and penetrance estimates, and inheritance mode, an automated score was calculated to assess if this variant is too frequent to cause the disease. Based on the score and internal cut-off values, a variant classified as benign is not then subjected to further curation. The score for this variant resulted in a classification of benign for this disease.

GeneDx
Classification: Benign. Last evaluated: 2015-12-10. Review status: criteria provided, single submitter. Criteria: GeneDx Variant Classification (06012015). Collection method: clinical testing. Allele origin: germline. Affected: yes.
Comment: This variant is considered likely benign or benign based on one or more of the following criteria: it is a conservative change, it occurs at a poorly conserved position in the protein, it is predicted to be benign by multiple in silico algorithms, and/or has population frequency not consistent with disease.

Genetic Services Laboratory, University of Chicago
Classification: Benign for AllHighlyPenetrant. Last evaluated: 2013-03-05. Review status: criteria provided, single submitter. Criteria: ACMG Guidelines, 2007. Collection method: clinical testing. Allele origin: germline. Inheritance: Autosomal recessive inheritance.

Breakthrough Genomics
Classification: Benign. Review status: criteria provided, single submitter. Criteria: ACMG Guidelines, 2015. Collection method: not provided. Allele origin: germline. Inheritance: Autosomal recessive inheritance. Affected: yes.

PreventionGenetics, part of Exact Sciences
Classification: Benign. Review status: criteria provided, single submitter. Criteria: ACMG Guidelines, 2015. Collection method: clinical testing. Allele origin: germline.

Mayo Clinic Laboratories, Mayo Clinic
Classification: Benign. Last evaluated: 2015-10-22. Review status: no assertion criteria provided. Collection method: clinical testing. Allele origin: unknown. Not counted in ClinVar's aggregate classification.